The following is an entry in ClinVar:

ClinVar aggregate classification (germline): Uncertain significance. Review status: criteria provided, multiple submitters, no conflicts (2 of 4 stars). 2 submissions from 2 submitters: Uncertain significance (2). Last evaluated 2025-08-27.

Conditions:
Hereditary cancer-predisposing syndrome. Also called: Neoplastic Syndromes, Hereditary; Hereditary Cancer Syndrome; Hereditary neoplastic syndrome; Tumor predisposition. Identifiers: Orphanet 140162, MedGen C0027672, MeSH D009386, MONDO:0015356.
Familial adenomatous polyposis 2. Also called: MUTYH-associated polyposis; MUTYH-related attenuated familial adenomatous polyposis; COLORECTAL ADENOMATOUS POLYPOSIS, AUTOSOMAL RECESSIVE; ADENOMAS, MULTIPLE COLORECTAL, AUTOSOMAL RECESSIVE; FAP type 2; MUTYH Polyposis. Identifiers: Orphanet 220460, Orphanet 247798, MedGen C3272841, MONDO:0012041, OMIM 608456.

Submissions (2):

Ambry Genetics
Classification: Uncertain significance for Hereditary cancer-predisposing syndrome. Last evaluated: 2025-08-27. Review status: criteria provided, single submitter. Criteria: Ambry Variant Classification Scheme 2023. Collection method: clinical testing. Allele origin: germline.
Comment: The p.S535T variant (also known as c.1603T>A), located in coding exon 16 of the MUTYH gene, results from a T to A substitution at nucleotide position 1603. The serine at codon 535 is replaced by threonine, an amino acid with similar properties. This amino acid position is conserved. In addition, this alteration is predicted to be tolerated by in silico analysis. Based on the available evidence, the clinical significance of this variant remains unclear.

Labcorp Genetics (formerly Invitae), Labcorp
Classification: Uncertain significance for Familial adenomatous polyposis 2. Last evaluated: 2021-11-07. Review status: criteria provided, single submitter. Criteria: Invitae Variant Classification Sherloc (09022015). Collection method: clinical testing. Allele origin: germline.
Comment: In summary, the available evidence is currently insufficient to determine the role of this variant in disease. Therefore, it has been classified as a Variant of Uncertain Significance. Algorithms developed to predict the effect of missense changes on protein structure and function (SIFT, PolyPhen-2, Align-GVGD) all suggest that this variant is likely to be tolerated. This variant has not been reported in the literature in individuals affected with MUTYH-related conditions. This variant is not present in population databases (gnomAD no frequency). This sequence change replaces serine, which is neutral and polar, with threonine, which is neutral and polar, at codon 535 of the MUTYH protein (p.Ser535Thr).

NM_001048174.2(MUTYH):c.1519T>A (p.Ser507Thr)

Gene: MUTYH (mutY DNA glycosylase; minus strand). Cytogenetic location: 1p34.1.
Variant type: single nucleotide variant.
Coding change: c.1519T>A on transcript NM_001048174.2 (MANE Select); coding-DNA position 1519, T replaced by A.
Protein change: p.Ser507Thr; replaces serine 507 with threonine.
Molecular consequence: missense variant. On other transcripts: non-coding transcript variant (2).
Genome position (GRCh38, 1-based): chr1:45,329,353, A>T on the plus strand (T>A on the coding strand, the complement: MUTYH is on the minus strand). VCF-style: chr1-45329353-A-T. GRCh37 (hg19) VCF-style: chr1-45795025-A-T.
Other names: c.1519T>A, p.Ser507Thr (NM_001048171.2, NM_001048173.2, NM_001293195.2); c.1522T>A, p.Ser508Thr (NM_001048172.2); c.1603T>A, p.Ser535Thr (NM_001128425.2); c.1564T>A, p.Ser522Thr (NM_001293190.2); c.1552T>A, p.Ser518Thr (NM_001293191.2); c.1243T>A, p.Ser415Thr (NM_001293192.2, NM_001293196.2); c.1174T>A, p.Ser392Thr (NM_001350650.2, NM_001350651.2); c.1594T>A, p.Ser532Thr (NM_012222.3); and 1 more; short protein forms S392T, S532T, S415T, S507T, S508T, S518T, S522T, S535T.
Identifiers: ClinVar variation 1513611 (VCV001513611.7), dbSNP rs2149088099, ClinGen allele CA340131620.
Genomic context (GRCh38, chr1:45,329,353, plus strand): 5'-GCTTTCAGAGGTGTCACTGGGCTGCACTGTTGAGGCTGTGTGCATCAGTGGAGATGTGAG[A>T]CCGAAAGAAATTATCCAGGACTTGCTGGCCCATGCGGGGCTTTTTCCGACTGCACGGAGA-3'
Protein context (NP_001041639.1, residues 497-517): GQQVLDNFFR[Ser507Thr]HISTDAHSLN